The following is an entry in ClinVar:

ClinVar aggregate classification (germline): Uncertain significance (1 of 4 stars; one submission).

gnomAD v4.1: 1 of 1,614,170 alleles (0.000062%); highest among the groups gnomAD compares: Non-Finnish European, 0.000085%; no homozygotes.

Submission:

Ambry Genetics
Classification: Uncertain significance. Last evaluated: 2023-03-20. Review status: criteria provided, single submitter. Criteria: Ambry Variant Classification Scheme 2023. Collection method: clinical testing. Allele origin: germline.
Comment: The p.R258L variant (also known as c.773G>T), located in coding exon 3 of the ALPK2 gene, results from a G to T substitution at nucleotide position 773. The arginine at codon 258 is replaced by leucine, an amino acid with dissimilar properties. This amino acid position is conserved. In addition, this alteration is predicted to be tolerated by in silico analysis. Since supporting evidence is limited at this time, the clinical significance of this alteration remains unclear.

NM_052947.4(ALPK2):c.773G>T (p.Arg258Leu)

Genes: ALPK2 (alpha kinase 2; minus strand), LOC114803473 (ALPK2 eExon liver enhancer; plus strand). Cytogenetic location: 18q21.31.
Variant type: single nucleotide variant.
Coding change: c.773G>T on transcript NM_052947.4 (MANE Select); coding-DNA position 773, G replaced by T.
Protein change: p.Arg258Leu; replaces arginine 258 with leucine.
Molecular consequence: missense variant.
Genome position (GRCh38, 1-based): chr18:58,580,003, C>A on the plus strand (G>T on the coding strand, the complement: ALPK2 is on the minus strand). VCF-style: chr18-58580003-C-A. GRCh37 (hg19) VCF-style: chr18-56247235-C-A.
Other names: short protein forms R258L.
Identifiers: ClinVar variation 2564042 (VCV002564042.2), dbSNP rs200973221, ClinGen allele CA402567241.
Genomic context (GRCh38, chr18:58,580,003, plus strand): 5'-TCAGATAGCGGGAGGCTGAAGCTAATGTATTTCTGTACTTTGGGATTTTGCTGACTAGAG[C>A]GTAAGCCTTCATCATGAGGACCATCATTGTTCAGGTCACCATCCGTGAACTTTGATGCCA-3'
Protein context (NP_443179.3, residues 248-268): NNDGPHDEGL[Arg258Leu]SSQQNPKVQK